The following is an entry in ClinVar:

ClinVar aggregate classification (germline): Uncertain significance (1 of 4 stars; one submission).

Allele frequency attached by ClinVar (database versions not stated): gnomAD exomes below 0.00001.
gnomAD v4.1: 4 of 1,603,712 alleles (0.00025%); highest among the groups gnomAD compares: Non-Finnish European, 0.00017%; no homozygotes.

Submission:

GeneDx
Classification: Uncertain significance. Last evaluated: 2020-07-23. Review status: criteria provided, single submitter. Criteria: GeneDx Variant Classification Process June 2021. Collection method: clinical testing. Allele origin: germline. Affected: yes.
Comment: Not observed in large population cohorts (Lek et al., 2016); In silico analysis supports that this missense variant has a deleterious effect on protein structure/function; Has not been previously published as pathogenic or benign to our knowledge

NM_003922.4(HERC1):c.3878T>C (p.Leu1293Ser)

Gene: HERC1 (HECT and RLD domain containing E3 ubiquitin protein ligase family member 1; minus strand). Cytogenetic location: 15q22.31.
Variant type: single nucleotide variant.
Coding change: c.3878T>C on transcript NM_003922.4 (MANE Select); coding-DNA position 3878, T replaced by C.
Protein change: p.Leu1293Ser; replaces leucine 1293 with serine.
Molecular consequence: missense variant.
Genome position (GRCh38, 1-based): chr15:63,718,674, A>G on the plus strand (T>C on the coding strand, the complement: HERC1 is on the minus strand). VCF-style: chr15-63718674-A-G. GRCh37 (hg19) VCF-style: chr15-64010873-A-G.
Other names: short protein forms L1293S.
Identifiers: ClinVar variation 1318648 (VCV001318648.2), dbSNP rs2073678206, ClinGen allele CA392754782.
Genomic context (GRCh38, chr15:63,718,674, plus strand): 5'-AGGTTCTTGCAAGCAAGTAAACGACTTCGAACTTTGTATACACAACGGTACACTTCTGAT[A>G]AGTGTTTACCAGGTTGATATCTAAATGAAGAACCAAAATAGAAAAGTTACCTAATTTCTG-3'
Protein context (NP_003913.3, residues 1283-1303): GESRYQPGKH[Leu1293Ser]SEVYRCVYKV